The following is an entry in ClinVar:

NM_003072.5(SMARCA4):c.1527C>G (p.Ala509=)

Gene: SMARCA4 (SWI/SNF related BAF chromatin remodeling complex subunit ATPase 4; plus strand). Cytogenetic location: 19p13.2.
Variant type: single nucleotide variant.
Coding change: c.1527C>G on transcript NM_003072.5 (MANE Select); coding-DNA position 1527, C replaced by G.
Protein change: p.Ala509=; no amino-acid change (alanine 509 retained).
Molecular consequence: synonymous variant. On other transcripts: non-coding transcript variant (1).
Genome position (GRCh38, 1-based): chr19:10,994,935, C>G. VCF-style: chr19-10994935-C-G. GRCh37 (hg19) VCF-style: chr19-11105611-C-G.
Other names: c.1527C>G, p.Ala509= (NM_001128846.2, NM_001128847.4, NM_001128848.2 and 5 more transcripts).
Identifiers: ClinVar variation 470248 (VCV000470248.13), dbSNP rs1555762105, ClinGen allele CA505490343.

ClinVar aggregate classification (germline): Benign/Likely benign. Review status: criteria provided, multiple submitters, no conflicts (2 of 4 stars). 3 submissions from 3 submitters: Benign (1); Likely benign (2). Last evaluated 2026-07-10.

Conditions:
Rhabdoid tumor predisposition syndrome 2 (RTPS2). Identifiers: Orphanet 231108, Orphanet 69077, MedGen C2750074, MONDO:0013224, OMIM 613325.
Hereditary cancer-predisposing syndrome. Also called: Hereditary Cancer Syndrome; Hereditary neoplastic syndrome; Neoplastic Syndromes, Hereditary; Tumor predisposition. Identifiers: Orphanet 140162, MedGen C0027672, MeSH D009386, MONDO:0015356.

Submissions (3):

Myriad Genetics, Inc.
Classification: Benign for Rhabdoid tumor predisposition syndrome 2. Last evaluated: 2026-07-10. Review status: criteria provided, single submitter. Criteria: Myriad Autosomal Dominant, Autosomal Recessive and X-Linked Classification Criteria (2023). Collection method: clinical testing. Allele origin: unknown.
Comment: This variant is considered benign. This variant is a silent/synonymous amino acid change and it is not expected to impact splicing.

Ambry Genetics
Classification: Likely benign for Hereditary cancer-predisposing syndrome. Last evaluated: 2024-09-13. Review status: criteria provided, single submitter. Criteria: Ambry Variant Classification Scheme 2023. Collection method: clinical testing. Allele origin: germline.

Labcorp Genetics (formerly Invitae), Labcorp
Classification: Likely benign for Rhabdoid tumor predisposition syndrome 2. Last evaluated: 2024-01-16. Review status: criteria provided, single submitter. Criteria: Invitae Variant Classification Sherloc (09022015). Collection method: clinical testing. Allele origin: germline.